The following is an entry in ClinVar:

ClinVar aggregate classification (germline): Uncertain significance (1 of 4 stars; one submission).

gnomAD v4.1: 1 of 1,551,076 alleles (0.000064%); highest among the groups gnomAD compares: Non-Finnish European, 0.000087%; no homozygotes.

Submission:

Labcorp Genetics (formerly Invitae), Labcorp
Classification: Uncertain significance. Last evaluated: 2022-10-19. Review status: criteria provided, single submitter. Criteria: Invitae Variant Classification Sherloc (09022015). Collection method: clinical testing. Allele origin: germline.
Comment: In summary, the available evidence is currently insufficient to determine the role of this variant in disease. Therefore, it has been classified as a Variant of Uncertain Significance. Algorithms developed to predict the effect of missense changes on protein structure and function (SIFT, PolyPhen-2, Align-GVGD) all suggest that this variant is likely to be disruptive. This variant has not been reported in the literature in individuals affected with TBXA2R-related conditions. This variant is not present in population databases (gnomAD no frequency). This sequence change replaces arginine, which is basic and polar, with leucine, which is neutral and non-polar, at codon 237 of the TBXA2R protein (p.Arg237Leu).

NM_001060.6(TBXA2R):c.710G>T (p.Arg237Leu)

Gene: TBXA2R (thromboxane A2 receptor; minus strand). Cytogenetic location: 19p13.3.
Variant type: single nucleotide variant.
Coding change: c.710G>T on transcript NM_001060.6 (MANE Select); coding-DNA position 710, G replaced by T.
Protein change: p.Arg237Leu; replaces arginine 237 with leucine.
Molecular consequence: missense variant.
Genome position (GRCh38, 1-based): chr19:3,599,925, C>A on the plus strand (G>T on the coding strand, the complement: TBXA2R is on the minus strand). VCF-style: chr19-3599925-C-A. GRCh37 (hg19) VCF-style: chr19-3599923-C-A.
Other names: c.710G>T, p.Arg237Leu (NM_201636.3); short protein forms R237L.
Identifiers: ClinVar variation 1992001 (VCV001992001.4), dbSNP rs202065690, ClinGen allele CA403333132.